The following is an entry in ClinVar:

NM_080424.4(SP110):c.718G>C (p.Glu240Gln)

Genes: SP110 (SP110 nuclear body protein; minus strand), SP140 (SP140 nuclear body protein; plus strand). Cytogenetic location: 2q37.1.
Variant type: single nucleotide variant.
Coding change: c.718G>C on transcript NM_080424.4 (MANE Select); coding-DNA position 718, G replaced by C.
Protein change: p.Glu240Gln; replaces glutamic acid 240 with glutamine.
Molecular consequence: missense variant.
Genome position (GRCh38, 1-based): chr2:230,211,503, C>G on the plus strand (G>C on the coding strand, the complement: SP110 is on the minus strand). VCF-style: chr2-230211503-C-G. GRCh37 (hg19) VCF-style: chr2-231076218-C-G.
Other names: c.736G>C, p.Glu246Gln (NM_001185015.2, NM_001378442.1, NM_001378444.1 and 2 more transcripts); c.718G>C, p.Glu240Gln (NM_001378443.1, NM_001378447.1, NM_004509.5 and 1 more transcripts); short protein forms E240Q, E246Q.
Identifiers: ClinVar variation 1031431 (VCV001031431.1), dbSNP rs2044474258, ClinGen allele CA350915465.
Genomic context (GRCh38, chr2:230,211,503, plus strand): 5'-CTTTTAGGTTGACCAAACCAAGATTACCTGGCATAGAGCCCAAGGGAGAGTGGGGCATCT[C>G]TTGAGGGTCTTCTTTATCTCTTATTTGGGGGATCAGGTTGTCACTGGCCACTGAATGGAG-3'
Protein context (NP_536349.3, residues 230-250): PQIRDKEDPQ[Glu240Gln]MPHSPLGSMP

ClinVar aggregate classification (germline): Uncertain significance (1 of 4 stars; one submission).

Conditions:
Hepatic veno-occlusive disease-immunodeficiency syndrome. Also called: Hepatic Veno-Occlusive Disease with Immunodeficiency. Identifiers: Orphanet 79124, MedGen C1856128, MONDO:0009338, OMIM 235550. Disease mechanism: loss of function.

Allele frequency attached by ClinVar (database versions not stated): TOPMed 0.00001.

Submission:

Baylor Genetics
Classification: Uncertain significance for Hepatic veno-occlusive disease-immunodeficiency syndrome. Last evaluated: 2018-02-22. Review status: criteria provided, single submitter. Criteria: ACMG Guidelines, 2015. Collection method: clinical testing. Allele origin: unknown. Affected: yes.
Comment: This variant was determined to be of uncertain significance according to ACMG Guidelines, 2015 [PMID:25741868].